The following is an entry in ClinVar:

ClinVar aggregate classification (germline): Uncertain significance. Review status: criteria provided, single submitter (1 of 4 stars). 2 submissions from 2 submitters: Uncertain significance (1). 1 of the submissions does not count toward it. Last evaluated 2019-07-31.

Conditions:
Pulmonary arterial hypertension. Identifiers: Orphanet 182090, MedGen C2973725, MeSH D000081029, MONDO:0015924, HP:0002092.

Submissions (2):

GeneDx
Classification: Uncertain significance. Last evaluated: 2019-07-31. Review status: criteria provided, single submitter. Criteria: GeneDx Variant Classification Process June 2021. Collection method: clinical testing. Allele origin: germline. Affected: yes.
Comment: Reported in a patient with pulmonary arterial hypertension (PAH) who underwent whole-genome sequencing; additional patient-specific details were not provided (Graf et al., 2018); Not observed at a significant frequency in large population cohorts (Lek et al., 2016); In silico analysis, which includes protein predictors and evolutionary conservation, supports a deleterious effect; This variant is associated with the following publications: (PMID: 29650961, 32581362)

NIHR Bioresource Rare Diseases, University of Cambridge
Classification: Likely pathogenic for Pulmonary arterial hypertension. Review status: no assertion criteria provided. Collection method: research. Allele origin: unknown. Affected: yes. Observed: 1 variant allele. Not counted in ClinVar's aggregate classification.

Literature cited by the submitters: PubMed 32581362 (cited by NIHR Bioresource Rare Diseases, University of Cambridge).

NM_000020.3(ACVRL1):c.982C>G (p.His328Asp)

Gene: ACVRL1 (activin A receptor like type 1; plus strand). Cytogenetic location: 12q13.13.
Variant type: single nucleotide variant.
Coding change: c.982C>G on transcript NM_000020.3 (MANE Select); coding-DNA position 982, C replaced by G.
Protein change: p.His328Asp; replaces histidine 328 with aspartic acid.
Molecular consequence: missense variant.
Genome position (GRCh38, 1-based): chr12:51,915,434, C>G. VCF-style: chr12-51915434-C-G. GRCh37 (hg19) VCF-style: chr12-52309218-C-G.
Other names: c.982C>G, p.His328Asp (NM_001077401.2); short protein forms H328D.
Identifiers: ClinVar variation 812854 (VCV000812854.4), dbSNP rs1592224291, ClinGen allele CA384901422.